The following is an entry in ClinVar:

ClinVar aggregate classification (germline): Likely benign. Review status: criteria provided, multiple submitters, no conflicts (2 of 4 stars). 2 submissions from 2 submitters: Likely benign (2). Last evaluated 2025-12-23.

Allele frequency attached by ClinVar (database versions not stated): gnomAD 0.00004; TOPMed 0.00005; ExAC 0.00007; gnomAD exomes 0.00011; 1000 Genomes Project 30x 0.00016; 1000 Genomes Project 0.00020.
gnomAD v4.1: 168 of 1,608,672 alleles (0.01%); highest among the groups gnomAD compares: Non-Finnish European, 0.014%; no homozygotes.

Submissions (3):

Labcorp Genetics (formerly Invitae), Labcorp
Classification: Likely benign. Last evaluated: 2025-12-23. Review status: criteria provided, single submitter. Criteria: Invitae Variant Classification Sherloc (09022015). Collection method: clinical testing. Allele origin: germline.

CeGaT Center for Human Genetics Tuebingen
Classification: Likely benign. Last evaluated: 2023-03-01. Review status: criteria provided, single submitter. Criteria: CeGaT Center For Human Genetics Tuebingen Variant Classification Criteria Version 2. Collection method: clinical testing. Allele origin: germline. Affected: yes. Observed: 1 variant allele.
Comment: DNA2: BP4, BP7

Dr. Peter K. Rogan Lab, Western University
No classification provided (evidence only). Condition: Clear cell carcinoma of kidney. Review status: no classification provided. Collection method: in vitro. Allele origin: not applicable. Functional consequence: retained intron. Not counted in ClinVar's aggregate classification.

NM_001080449.3(DNA2):c.1827T>A (p.Ser609=)

Gene: DNA2 (DNA replication helicase/nuclease 2; minus strand). Cytogenetic location: 10q21.3.
Variant type: single nucleotide variant.
Coding change: c.1827T>A on transcript NM_001080449.3 (MANE Select); coding-DNA position 1827, T replaced by A.
Protein change: p.Ser609=; no amino-acid change (serine 609 retained).
Molecular consequence: synonymous variant. On other transcripts: non-coding transcript variant (1).
Genome position (GRCh38, 1-based): chr10:68,432,252, A>T on the plus strand (T>A on the coding strand, the complement: DNA2 is on the minus strand). VCF-style: chr10-68432252-A-T. GRCh37 (hg19) VCF-style: chr10-70192009-A-T.
Identifiers: ClinVar variation 2420699 (VCV002420699.32), dbSNP rs553392629, ClinGen allele CA5524966.